The following is an entry in ClinVar:

ClinVar aggregate classification (germline): Uncertain significance (1 of 4 stars; one submission).

Submission:

CeGaT Center for Human Genetics Tuebingen
Classification: Uncertain significance. Last evaluated: 2024-07-01. Review status: criteria provided, single submitter. Criteria: CeGaT Center For Human Genetics Tuebingen Variant Classification Criteria Version 2. Collection method: clinical testing. Allele origin: germline. Affected: yes. Observed: 1 variant allele.
Comment: HSD17B2: PM2, BP4

NM_002153.3(HSD17B2):c.440A>C (p.Asp147Ala)

Gene: HSD17B2 (hydroxysteroid 17-beta dehydrogenase 2; plus strand). Cytogenetic location: 16q23.3.
Variant type: single nucleotide variant.
Coding change: c.440A>C on transcript NM_002153.3 (MANE Select); coding-DNA position 440, A replaced by C.
Protein change: p.Asp147Ala; replaces aspartic acid 147 with alanine.
Molecular consequence: missense variant.
Genome position (GRCh38, 1-based): chr16:82,068,344, A>C. VCF-style: chr16-82068344-A-C. GRCh37 (hg19) VCF-style: chr16-82101949-A-C.
Other names: short protein forms D147A.
Identifiers: ClinVar variation 3257547 (VCV003257547.17).
Genomic context (GRCh38, chr16:82,068,344, plus strand): 5'-CCTGCTCTCCGCGCCTCTCGGTGCTCCAAATGGACATCACGAAGCCAGTGCAGATAAAAG[A>C]TGCTTACAGCAAGGTTGCAGCAATGCTGCAGGACAGAGGTACTGCCGCCAGCACCCTCAG-3'
Protein context (NP_002144.1, residues 137-157): MDITKPVQIK[Asp147Ala]AYSKVAAMLQ